The following is an entry in ClinVar:

NM_001127222.2(CACNA1A):c.1585T>C (p.Phe529Leu)

Gene: CACNA1A (calcium voltage-gated channel subunit alpha1 A; minus strand). Cytogenetic location: 19p13.13.
Variant type: single nucleotide variant.
Coding change: c.1585T>C on transcript NM_001127222.2 (MANE Select); coding-DNA position 1585, T replaced by C.
Protein change: p.Phe529Leu; replaces phenylalanine 529 with leucine.
Molecular consequence: missense variant.
Genome position (GRCh38, 1-based): chr19:13,312,752, A>G on the plus strand (T>C on the coding strand, the complement: CACNA1A is on the minus strand). VCF-style: chr19-13312752-A-G. GRCh37 (hg19) VCF-style: chr19-13423566-A-G.
Other names: c.1588T>C, p.Phe530Leu (NM_000068.4, NM_001127221.2, NM_001174080.2 and 1 more transcripts); short protein forms F529L, F530L.
Identifiers: ClinVar variation 955310 (VCV000955310.10), dbSNP rs2058058208, ClinGen allele CA404345467.

ClinVar aggregate classification (germline): Uncertain significance (1 of 4 stars; one submission).

Conditions:
Developmental and epileptic encephalopathy, 42 (DEE42A). Also called: DEVELOPMENTAL AND EPILEPTIC ENCEPHALOPATHY 42A; EPILEPTIC ENCEPHALOPATHY, EARLY INFANTILE, 42A; Epileptic encephalopathy, early infantile, 42. Identifiers: MedGen C4310716, MONDO:0014917, OMIM 617106.
Episodic ataxia type 2 (EA2). Also called: ATAXIA, EPISODIC, WITH NYSTAGMUS; ATAXIA, FAMILIAL PAROXYSMAL; CEREBELLAR ATAXIA, PAROXYSMAL, ACETAZOLAMIDE-RESPONSIVE; ACETAZOLAMIDE-RESPONSIVE HEREDITARY PAROXYSMAL CEREBELLAR ATAXIA; CEREBELLOPATHY, HEREDITARY PAROXYSMAL; EPISODIC ATAXIA, NYSTAGMUS-ASSOCIATED. Identifiers: Orphanet 97, MedGen C1720416, MONDO:0007163, OMIM 108500.

Submission:

Labcorp Genetics (formerly Invitae), Labcorp
Classification: Uncertain significance for Developmental and epileptic encephalopathy, 42; Episodic ataxia type 2. Last evaluated: 2019-08-07. Review status: criteria provided, single submitter. Criteria: Invitae Variant Classification Sherloc (09022015). Collection method: clinical testing. Allele origin: germline.
Comment: In summary, the available evidence is currently insufficient to determine the role of this variant in disease. Therefore, it has been classified as a Variant of Uncertain Significance. Algorithms developed to predict the effect of missense changes on protein structure and function are either unavailable or do not agree on the potential impact of this missense change (SIFT: "Deleterious"; PolyPhen-2: "Probably Damaging"; Align-GVGD: "Class C15"). This variant has not been reported in the literature in individuals with CACNA1A-related conditions. This variant is not present in population databases (ExAC no frequency). This sequence change replaces phenylalanine with leucine at codon 530 of the CACNA1A protein (p.Phe530Leu). The phenylalanine residue is highly conserved and there is a small physicochemical difference between phenylalanine and leucine.